The following is an entry in ClinVar:

ClinVar aggregate classification (germline): Likely benign. Review status: criteria provided, multiple submitters, no conflicts (2 of 4 stars). 2 submissions from 2 submitters: Likely benign (2). Last evaluated 2025-03-05.

Conditions:
Familial thoracic aortic aneurysm and aortic dissection (TAAD). Also called: Thoracic aortic aneurysms and dissections. Identifiers: Orphanet 91387, MedGen C4707243, MONDO:0019625.
Marfan syndrome (MFS). Also called: Marfan syndrome type 1; Marfan's syndrome; Marfan syndrome, classic; MARFAN SYNDROME, TYPE I; FBN1-Related Marfan Syndrome. Identifiers: Orphanet 284963, Orphanet 558, MedGen C0024796, MONDO:0007947, OMIM 154700.

Allele frequency attached by ClinVar (database versions not stated): TOPMed below 0.00001; gnomAD 0.00001; 1000 Genomes Project 30x 0.00016; 1000 Genomes Project 0.00020; gnomAD exomes 0.00001; ExAC 0.00002.
gnomAD v4.1: 11 of 1,613,302 alleles (0.00068%); highest among the groups gnomAD compares: South Asian, 0.0033%; no homozygotes.

Submissions (2):

Labcorp Genetics (formerly Invitae), Labcorp
Classification: Likely benign for Marfan syndrome; Familial thoracic aortic aneurysm and aortic dissection. Last evaluated: 2025-03-05. Review status: criteria provided, single submitter. Criteria: Invitae Variant Classification Sherloc (09022015). Collection method: clinical testing. Allele origin: germline.

Women's Health and Genetics/Laboratory Corporation of America, LabCorp
Classification: Likely benign. Last evaluated: 2025-01-08. Review status: criteria provided, single submitter. Criteria: LabCorp Variant Classification Summary - May 2015. Collection method: clinical testing. Allele origin: germline.
Comment: Variant summary: FBN1 c.6163+9C>G alters a non-conserved nucleotide located at a position not widely known to affect splicing. Consensus agreement among computation tools predict no significant impact on normal splicing. However, these predictions have yet to be confirmed by functional studies. The variant allele was found at a frequency of 8e-06 in 251074 control chromosomes. The available data on variant occurrences in the general population are insufficient to allow any conclusion about variant significance. To our knowledge, no occurrence of c.6163+9C>G in individuals affected with FBN1-related conditions and no experimental evidence demonstrating its impact on protein function have been reported. ClinVar contains an entry for this variant (Variation ID: 1127154). Based on the evidence outlined above, the variant was classified as likely benign.

NM_000138.5(FBN1):c.6163+9C>G

Gene: FBN1 (fibrillin 1; minus strand). Cytogenetic location: 15q21.1.
Variant type: single nucleotide variant.
Coding change: c.6163+9C>G on transcript NM_000138.5 (MANE Select); 9 bases into the intron after coding-DNA position 6163, C replaced by G.
Molecular consequence: intron variant.
Genome position (GRCh38, 1-based): chr15:48,441,712, G>C on the plus strand (C>G on the coding strand, the complement: FBN1 is on the minus strand). VCF-style: chr15-48441712-G-C. GRCh37 (hg19) VCF-style: chr15-48733909-G-C.
Identifiers: ClinVar variation 1127154 (VCV001127154.11), dbSNP rs547396976, ClinGen allele CA056343.
Genomic context (GRCh38, chr15:48,441,712, plus strand): 5'-GTTTGAAAAATAAGACCACCACAAATAAACATGCAGCATTGAAAGCCCAAAGCCTTCAAA[G>C]ACACTTACCTTGGCACCTTCTTCCACTGGAGGACAAGGAAAACCCTTCTGGACACAGACA-3'